The following is an entry in ClinVar:

NM_002294.3(LAMP2):c.152_153del (p.Thr51fs)

Gene: LAMP2 (lysosome associated membrane protein 2; minus strand). Cytogenetic location: Xq24.
Variant type: Microsatellite.
Coding change: c.152_153del on transcript NM_002294.3 (MANE Select); coding-DNA positions 152 to 153, 2 bases deleted (CA; older notation c.152_153delCA).
Protein change: p.Thr51fs; shifts the reading frame from threonine 51.
Molecular consequence: frameshift variant.
Genome position (GRCh38, 1-based): chrX:120,456,681-120,456,682, TG deleted on the plus strand (CA on the coding strand, the reverse complement: LAMP2 is on the minus strand); deleting any 2 consecutive bases within chrX:120,456,681-120,456,684 gives the same sequence; the c. name uses the placement nearest the transcript's 3' end. VCF-style (leftmost placement, unchanged base first): chrX-120456680-CTG-C. GRCh37 (hg19) VCF-style: chrX-119590535-CTG-C.
Other names: c.152_153del, p.Thr51fs (NM_001122606.1, NM_013995.2); short protein forms T51fs.
Identifiers: ClinVar variation 2866874 (VCV002866874.3), dbSNP rs2520912970, ClinGen allele CA2739273748.
Genomic context (GRCh38, chrX:120,456,680, plus strand): 5'-AACTCAAAGAAAAATTAAAATATATACTTACATAAGTTTTATTTGTAGTTTCATAGCGTA[CTG>C]TGAAATTCATCTGCCATTTTGCATAAAGGCAAGTGGCATTTTCTGAATCTGTCAAATTAA-3'

ClinVar aggregate classification (germline): Pathogenic (1 of 4 stars; one submission).

Conditions:
Danon disease. Also called: Glycogen Storage Disease Type IIb; ANTOPOL DISEASE; PSEUDOGLYCOGENOSIS II; GSD IIb; LYSOSOMAL GLYCOGEN STORAGE DISEASE WITHOUT ACID MALTASE DEFICIENCY. Identifiers: Orphanet 34587, MedGen C0878677, MONDO:0010281, OMIM 300257.

Submission:

Labcorp Genetics (formerly Invitae), Labcorp
Classification: Pathogenic for Danon disease. Last evaluated: 2023-05-22. Review status: criteria provided, single submitter. Criteria: Invitae Variant Classification Sherloc (09022015). Collection method: clinical testing. Allele origin: germline.
Comment: This sequence change creates a premature translational stop signal (p.Thr51Serfs*4) in the LAMP2 gene. It is expected to result in an absent or disrupted protein product. Loss-of-function variants in LAMP2 are known to be pathogenic (PMID: 21415759). This variant is not present in population databases (gnomAD no frequency). This variant has not been reported in the literature in individuals affected with LAMP2-related conditions. For these reasons, this variant has been classified as Pathogenic.

Literature cited by the submitters: PubMed 21415759.